The following is an entry in ClinVar:

NM_006393.3(NEBL):c.236A>C (p.Asn79Thr)

Gene: NEBL (nebulette; minus strand). Cytogenetic location: 10p12.31.
Variant type: single nucleotide variant.
Coding change: c.236A>C on transcript NM_006393.3 (MANE Select); coding-DNA position 236, A replaced by C.
Protein change: p.Asn79Thr; replaces asparagine 79 with threonine.
Molecular consequence: missense variant. On other transcripts: intron variant (9).
Genome position (GRCh38, 1-based): chr10:20,889,867, T>G on the plus strand (A>C on the coding strand, the complement: NEBL is on the minus strand). VCF-style: chr10-20889867-T-G. GRCh37 (hg19) VCF-style: chr10-21178796-T-G.
Other names: c.249+71805A>C (NM_001377326.1, NM_001377327.1, NM_001377328.1); c.357+71805A>C (NM_213569.2, NM_001173484.2, NM_001377322.1); c.300+71805A>C (NM_001377324.1); c.291+71805A>C (NM_001377325.1); c.309+71805A>C (NM_001377323.1); short protein forms N79T.
Identifiers: ClinVar variation 3225567 (VCV003225567.1), dbSNP rs2492567124, ClinGen allele CA376096405.
Genomic context (GRCh38, chr10:20,889,867, plus strand): 5'-ATAAATGCAAGCCAGTTTGCAAGCTTTTGATACCTTACCTCAGAAATAAAAGCACCGATA[T>G]TTTTTACATGGTTTAGCATAGGACTGTCAGTCACAAATGTACACTTATCCTTGGACTTTT-3'
Protein context (NP_006384.1, residues 69-89): TDSPMLNHVK[Asn79Thr]IGAFISEAKY

ClinVar aggregate classification (germline): Uncertain significance (1 of 4 stars; one submission).

Submission:

Ambry Genetics
Classification: Uncertain significance. Last evaluated: 2024-03-01. Review status: criteria provided, single submitter. Criteria: Ambry Variant Classification Scheme 2023. Collection method: clinical testing. Allele origin: germline.
Comment: The p.N79T variant (also known as c.236A>C), located in coding exon 3 of the NEBL gene, results from an A to C substitution at nucleotide position 236. The asparagine at codon 79 is replaced by threonine, an amino acid with similar properties. This amino acid position is conserved. In addition, this alteration is predicted to be tolerated by in silico analysis. Based on the available evidence, the clinical significance of this alteration remains unclear.